The following is an entry in ClinVar:

NM_000475.5(NR0B1):c.1360G>A (p.Gly454Ser)

Gene: NR0B1 (nuclear receptor subfamily 0 group B member 1; minus strand). Cytogenetic location: Xp21.2.
Variant type: single nucleotide variant.
Coding change: c.1360G>A on transcript NM_000475.5 (MANE Select); coding-DNA position 1360, G replaced by A.
Protein change: p.Gly454Ser; replaces glycine 454 with serine.
Molecular consequence: missense variant.
Genome position (GRCh38, 1-based): chrX:30,304,632, C>T on the plus strand (G>A on the coding strand, the complement: NR0B1 is on the minus strand). VCF-style: chrX-30304632-C-T. GRCh37 (hg19) VCF-style: chrX-30322749-C-T.
Other names: short protein forms G454S.
Identifiers: ClinVar variation 5007548 (VCV005007548.2).

ClinVar aggregate classification (germline): Uncertain significance (1 of 4 stars; one submission).

Conditions:
46,XY sex reversal 2. Also called: NR0B1-Related 46,XY CGD; NR0B1-related 46,XY complete gonadal dysgenesis; 46XY sex reversal 2, dosage-sensitive; 46,XY SEX REVERSAL, DAX1-RELATED; Dosage-sensitive sex reversal. Identifiers: MedGen C1848296, MONDO:0010226, OMIM 300018.
Congenital adrenal hypoplasia, X-linked (AHC). Also called: Isolated X-Linked Adrenal Hypoplasia Congenita; ADRENAL HYPOPLASIA, CONGENITAL, WITH HYPOGONADOTROPIC HYPOGONADISM; X-linked AHC; X-Linked Adrenal Hypoplasia Congenita. Identifiers: Orphanet 95702, MedGen C0342482, MONDO:0010264, OMIM 300200. Disease mechanism: loss of function.

gnomAD v4.1: 6 of 1,207,827 alleles (0.0005%); highest among the groups gnomAD compares: Admixed American, 0.0022%; no homozygotes.

Submission:

Juno Genomics, Hangzhou Juno Genomics, Inc
Classification: Uncertain significance for 46,XY sex reversal 2; Congenital adrenal hypoplasia, X-linked. Review status: criteria provided, single submitter. Criteria: ACMG Guidelines, 2015. Collection method: clinical testing. Allele origin: germline.
Comment: Absent from controls (or at extremely low frequency if recessive) in Genome Aggregation Database.;Multiple lines of computational evidence support a deleterious effect on the gene or gene product.